The following is an entry in ClinVar:

NM_001492.6(GDF1):c.1061A>G (p.Asp354Gly)

Genes: CERS1 (ceramide synthase 1; minus strand), GDF1 (growth differentiation factor 1; minus strand). Cytogenetic location: 19p13.11.
Variant type: single nucleotide variant.
Coding change: c.1061A>G on transcript NM_001492.6 (MANE Select); coding-DNA position 1061, A replaced by G.
Protein change: p.Asp354Gly; replaces aspartic acid 354 with glycine.
Molecular consequence: missense variant. On other transcripts: 3 prime UTR variant (2).
Genome position (GRCh38, 1-based): chr19:18,868,655, T>C on the plus strand (A>G on the coding strand, the complement: GDF1 is on the minus strand). VCF-style: chr19-18868655-T-C. GRCh37 (hg19) VCF-style: chr19-18979464-T-C.
Other names: c.*1922A>G (NM_001387440.1); c.*1330A>G (NM_021267.5); c.1061A>G, p.Asp354Gly (NM_001387438.1); short protein forms D354G.
Identifiers: ClinVar variation 4984866 (VCV004984866.1).

ClinVar aggregate classification (germline): Uncertain significance (1 of 4 stars; one submission).

Conditions:
GDF1-related disorder. Also called: GDF1-related condition.

gnomAD v4.1: 1 of 1,575,126 alleles (0.000063%); highest among the groups gnomAD compares: African/African-American, 0.0013%; no homozygotes.

Submission:

PreventionGenetics, part of Exact Sciences
Classification: Uncertain significance for GDF1-related condition. Last evaluated: 2025-12-16. Review status: criteria provided, single submitter. Criteria: ACMG Guidelines, 2015. Collection method: clinical testing. Allele origin: germline.
Comment: The GDF1 c.1061A>G variant is predicted to result in the amino acid substitution p.Asp354Gly. To our knowledge, this variant has not been reported in the literature. This variant is reported in 0.012% of alleles in individuals of African descent in gnomAD. At this time, the clinical significance of this variant is uncertain due to the absence of conclusive functional and genetic evidence.